The following is an entry in ClinVar:

ClinVar aggregate classification (germline): Uncertain significance (1 of 4 stars; one submission).

Conditions:
Ehlers-Danlos syndrome, type 4 (EDSVASC). Also called: Ehlers-Danlos Syndrome Type IV; Ehlers-Danlos syndrome vascular type; Ehlers Danlos syndrome, ecchymotic type; Ehlers Danlos syndrome, arterial type; Ehlers Danlos syndrome, Sack-Barabas type. Identifiers: Orphanet 286, MedGen C0268338, MONDO:0017314, OMIM 130050.

Submission:

All of Us Research Program, National Institutes of Health
Classification: Uncertain significance for Ehlers-Danlos syndrome, type 4. Last evaluated: 2024-06-17. Review status: criteria provided, single submitter. Criteria: ACMG Guidelines, 2015. Collection method: clinical testing. Allele origin: germline. Inheritance: Autosomal dominant inheritance. Observed: 2 variant alleles, 2 heterozygotes.
Comment: This missense variant replaces valine with alanine at codon 353 of the COL3A1 protein. Computational prediction suggests that this variant may not impact protein structure and function (internally defined REVEL score threshold <= 0.5, PMID: 27666373). To our knowledge, functional studies have not been reported for this variant. This variant has not been reported in individuals affected with COL3A1-related disorders in the literature. This variant has not been identified in the general population by the Genome Aggregation Database (gnomAD). The available evidence is insufficient to determine the role of this variant in disease conclusively. Therefore, this variant is classified as a Variant of Uncertain Significance.

This study involves interpretation of variants in research participants for the purpose of population health screening. Participant phenotype was not available at the time of variant classification. Additional details can be found in publication PMID: 35346344, PMCID: PMC8962531

NM_000090.4(COL3A1):c.1058T>C (p.Val353Ala)

Gene: COL3A1 (collagen type III alpha 1 chain; plus strand). Cytogenetic location: 2q32.2.
Variant type: single nucleotide variant.
Coding change: c.1058T>C on transcript NM_000090.4 (MANE Select); coding-DNA position 1058, T replaced by C.
Protein change: p.Val353Ala; replaces valine 353 with alanine.
Molecular consequence: missense variant.
Genome position (GRCh38, 1-based): chr2:188,993,368, T>C. VCF-style: chr2-188993368-T-C. GRCh37 (hg19) VCF-style: chr2-189858094-T-C.
Other names: short protein forms V353A.
Identifiers: ClinVar variation 3071780 (VCV003071780.2), dbSNP rs2469125956, ClinGen allele CA349850777.